The following is an entry in ClinVar:

NM_002769.5(PRSS1):c.416G>T (p.Cys139Phe)

Genes: TRB (T cell receptor beta locus; plus strand), PRSS1 (serine protease 1; plus strand). Cytogenetic location: 7q34.
Variant type: single nucleotide variant.
Coding change: c.416G>T on transcript NM_002769.5 (MANE Select); coding-DNA position 416, G replaced by T.
Protein change: p.Cys139Phe; replaces cysteine 139 with phenylalanine.
Molecular consequence: missense variant.
Genome position (GRCh38, 1-based): chr7:142,751,989, G>T. VCF-style: chr7-142751989-G-T. GRCh37 (hg19) VCF-style: chr7-142459840-G-T.
Other names: short protein forms C139F.
Identifiers: ClinVar variation 618848 (VCV000618848.8), dbSNP rs768853338, ClinGen allele CA369609126.

ClinVar aggregate classification (germline): Likely pathogenic (1 of 4 stars; one submission).

Submission:

ARUP Laboratories, Molecular Genetics and Genomics, ARUP Laboratories
Classification: Likely pathogenic. Last evaluated: 2018-05-23. Review status: criteria provided, single submitter. Criteria: ARUP Molecular Germline Variant Investigation Process. Collection method: clinical testing. Allele origin: germline.
Comment: The PRSS1 c.416G>T; p.Cys139Phe variant has been described in several individuals affected with chronic pancreatitis (see link to Pancreatitis PRSS1 database and references therein). It is absent from general population databases (1000 Genomes Project, Exome Variant Server, and Genome Aggregation Database), indicating it is not a common polymorphism. The cysteine at codon 139 is highly conserved, and computational algorithms (PolyPhen-2, SIFT) predict that this variant is deleterious. In vitro functional studies of this variant protein demonstrate reduced expression and severe secretions defects (Schnur 2014). Additionally, another variant at this codon (c.415T>A; p.Cys139Ser) has been reported in multiple individuals with pancreatitis and is considered pathogenic (see link to Pancreatitis PRSS1 database and references therein). Based on available information, this variant is considered likely pathogenic. References: Pancreatitis PRSS1 database: Schnur A et al. Functional effects of 13 rare PRSS1 variants presumed to cause chronic pancreatitis. Gut. 2014 Feb;63(2):337-43.